The following is an entry in ClinVar:

ClinVar aggregate classification (germline): Benign. Review status: criteria provided, multiple submitters, no conflicts (2 of 4 stars). 10 submissions from 9 submitters: Benign (8). 2 of the submissions do not count toward it. Last evaluated 2026-02-04.

Conditions:
Leigh syndrome (NULS). Also called: Leigh Disease; Subacute necrotizing encephalopathy; Necrotizing encephalopathy infantile subacute of Leigh; Leigh's necrotizing encephalopathy; Leigh's disease; Leigh Syndrome (mtDNA deletion). Identifiers: Orphanet 506, MedGen C2931891, MONDO:0009723, OMIM 256000.
Mitochondrial complex I deficiency, nuclear type 1. Also called: NADH-COENZYME Q REDUCTASE DEFICIENCY; MITOCHONDRIAL NADH DEHYDROGENASE COMPONENT OF COMPLEX I, DEFICIENCY OF. Identifiers: MedGen C6022305, MONDO:0100224, OMIM 252010.
Mitochondrial complex I deficiency, nuclear type 3. Also called: Mitochondrial complex 1 deficiency, nuclear type 3. Identifiers: MedGen C4748752, MONDO:0032608, OMIM 618224.

Allele frequency attached by ClinVar (database versions not stated): 1000 Genomes Project 30x 0.45550; 1000 Genomes Project 0.45567; TOPMed 0.51098; gnomAD 0.51987 and 0.52046; ESP Exome Variant Server 0.54062; gnomAD exomes 0.54607 and 0.60033; ExAC 0.55021.
gnomAD v4.1: 954,209 of 1,610,648 alleles (59%); highest among the groups gnomAD compares: Middle Eastern, 64%; 287,790 homozygotes.

Submissions (10):

Labcorp Genetics (formerly Invitae), Labcorp
Classification: Benign. Last evaluated: 2026-02-04. Review status: criteria provided, single submitter. Criteria: Invitae Variant Classification Sherloc (09022015). Collection method: clinical testing. Allele origin: germline.

Blueprint Genetics
Classification: Benign. Last evaluated: 2024-11-28. Review status: criteria provided, single submitter. Criteria: ACMG Guidelines, 2015. Collection method: clinical testing. Allele origin: germline.

Women's Health and Genetics/Laboratory Corporation of America, LabCorp
Classification: Benign. Last evaluated: 2022-07-24. Review status: criteria provided, single submitter. Criteria: LabCorp Variant Classification Summary - May 2015. Collection method: clinical testing. Allele origin: germline.

Genome-Nilou Lab
Classification: Benign for Mitochondrial complex I deficiency, nuclear type 3. Last evaluated: 2021-07-14. Review status: criteria provided, single submitter. Criteria: ACMG Guidelines, 2015. Collection method: clinical testing. Allele origin: germline. Affected: no.

Illumina Laboratory Services, Illumina
Classification: Benign for Leigh syndrome. Last evaluated: 2018-01-12. Review status: criteria provided, single submitter. Criteria: ICSL Variant Classification Criteria 13 December 2019. Collection method: clinical testing. Allele origin: germline.
Comment: This variant was observed in the ICSL laboratory as part of a predisposition screen in an ostensibly healthy population. It had not been previously curated by ICSL or reported in the Human Gene Mutation Database (HGMD: prior to June 1st, 2018), and was therefore a candidate for classification through an automated scoring system. Utilizing variant allele frequency, disease prevalence and penetrance estimates, and inheritance mode, an automated score was calculated to assess if this variant is too frequent to cause the disease. Based on the score and internal cut-off values, a variant classified as benign is not then subjected to further curation. The score for this variant resulted in a classification of benign for this disease.

Illumina Laboratory Services, Illumina
Classification: Benign for Mitochondrial complex I deficiency, nuclear type 1. Last evaluated: 2018-01-12. Review status: criteria provided, single submitter. Criteria: ICSL Variant Classification Criteria 13 December 2019. Collection method: clinical testing. Allele origin: germline.
Comment: the same text as in the submission from Illumina Laboratory Services, Illumina above.

GeneDx
Classification: Benign. Last evaluated: 2015-03-03. Review status: criteria provided, single submitter. Criteria: GeneDx Variant Classification Process June 2021. Collection method: clinical testing. Allele origin: germline. Affected: yes.

Breakthrough Genomics
Classification: Benign. Review status: criteria provided, single submitter. Criteria: ACMG Guidelines, 2015. Collection method: not provided. Allele origin: germline. Inheritance: Autosomal recessive inheritance. Affected: yes.

Mayo Clinic Laboratories, Mayo Clinic
Classification: Benign. Last evaluated: 2016-02-19. Review status: no assertion criteria provided. Collection method: clinical testing. Allele origin: unknown. Not counted in ClinVar's aggregate classification.

Genetic Services Laboratory, University of Chicago
Classification: Likely benign for AllHighlyPenetrant. Review status: no assertion criteria provided. Collection method: clinical testing. Allele origin: germline. Inheritance: Autosomal recessive inheritance. Not counted in ClinVar's aggregate classification.
Comment: Likely benign based on allele frequency in 1000 Genomes Project or ESP global frequency and its presence in a patient with a rare or unrelated disease phenotype. NOT Sanger confirmed.

NM_024407.5(NDUFS7):c.68C>T (p.Pro23Leu)

Gene: NDUFS7 (NADH:ubiquinone oxidoreductase core subunit S7; plus strand). Cytogenetic location: 19p13.3.
Variant type: single nucleotide variant.
Coding change: c.68C>T on transcript NM_024407.5 (MANE Select); coding-DNA position 68, C replaced by T.
Protein change: p.Pro23Leu; replaces proline 23 with leucine.
Molecular consequence: missense variant.
Genome position (GRCh38, 1-based): chr19:1,388,539, C>T. VCF-style: chr19-1388539-C-T. GRCh37 (hg19) VCF-style: chr19-1388538-C-T.
Other names: c.68C>T, p.Pro23Leu (NM_001363602.2); short protein forms P23L.
Identifiers: ClinVar variation 129702 (VCV000129702.28), dbSNP rs1142530, ClinGen allele CA153875.